The following is an entry in ClinVar:

NC_000016.9:g.(?_8829597)_(8875287_?)dup

Gene: ABAT (4-aminobutyrate aminotransferase; plus strand). Cytogenetic location: 16p13.2.
Variant type: Duplication.
Identifiers: ClinVar variation 2426578 (VCV002426578.1).

ClinVar aggregate classification (germline): Uncertain significance (1 of 4 stars; one submission).

Conditions:
Gamma-aminobutyric acid transaminase deficiency (GABATD). Also called: GABA transaminase deficiency; Gamma aminobutyrate transaminase deficiency; 4 alpha aminobutyrate transaminase deficiency; GABA aminotransaminase deficiency. Identifiers: Orphanet 2066, MedGen C0342708, MONDO:0013166, OMIM 613163.

Submission:

Labcorp Genetics (formerly Invitae), Labcorp
Classification: Uncertain significance for Gamma-aminobutyric acid transaminase deficiency. Last evaluated: 2022-08-06. Review status: criteria provided, single submitter. Criteria: Invitae Variant Classification Sherloc (09022015). Collection method: clinical testing. Allele origin: germline.
Comment: A copy number gain of the genomic region encompassing the full coding sequence of the ABAT gene has been identified. The boundaries of this event are unknown as they extend beyond the assayed region for this gene and therefore may encompass additional genes. As the precise location of this event is unknown, it may be in tandem or it may be located elsewhere in the genome. This variant has not been reported in the literature in individuals affected with ABAT-related conditions. In summary, the available evidence is currently insufficient to determine the role of this variant in disease. Therefore, it has been classified as a Variant of Uncertain Significance.